The following is an entry in ClinVar:

NM_194248.3(OTOF):c.4981G>A (p.Glu1661Lys)

Gene: OTOF (otoferlin; minus strand). Cytogenetic location: 2p23.3.
Variant type: single nucleotide variant.
Coding change: c.4981G>A on transcript NM_194248.3 (MANE Select); coding-DNA position 4981, G replaced by A.
Protein change: p.Glu1661Lys; replaces glutamic acid 1661 with lysine.
Molecular consequence: missense variant.
Genome position (GRCh38, 1-based): chr2:26,464,086, C>T on the plus strand (G>A on the coding strand, the complement: OTOF is on the minus strand). VCF-style: chr2-26464086-C-T. GRCh37 (hg19) VCF-style: chr2-26686954-C-T.
Other names: c.4981G>A, p.Glu1661Lys (NM_001287489.2); c.2680G>A, p.Glu894Lys (NM_004802.4, NM_194323.3); c.2911G>A, p.Glu971Lys (NM_194322.3); short protein forms E1661K, E894K, E971K.
Identifiers: ClinVar variation 1185576 (VCV001185576.3), dbSNP rs894098325, ClinGen allele CA44410922.

ClinVar aggregate classification (germline): Conflicting classifications of pathogenicity. Review status: criteria provided, conflicting classifications (1 of 4 stars). 3 submissions from 3 submitters: Pathogenic (1); Uncertain significance (1). 1 of the submissions does not count toward it. Last evaluated 2024-11-21.

Conditions:
Bilateral sensorineural hearing impairment. Also called: Bilateral sensorineural hearing loss. Identifiers: MedGen C0452138, HP:0008619.
Autosomal recessive nonsyndromic hearing loss 9. Also called: Deafness, autosomal recessive 9; NEUROSENSORY NONSYNDROMIC RECESSIVE DEAFNESS 9; OTOF-Related Hearing Loss; AUDITORY NEUROPATHY, AUTOSOMAL RECESSIVE, 1, TEMPERATURE-SENSITIVE. Identifiers: Orphanet 90636, MedGen C1832828, MONDO:0010986, OMIM 601071.

Allele frequency attached by ClinVar (database versions not stated): gnomAD exomes 0.00001; TOPMed 0.00001.
gnomAD v4.1: 18 of 1,613,596 alleles (0.0011%); highest among the groups gnomAD compares: Admixed American, 0.0033%; no homozygotes.

Submissions (3):

GeneDx
Classification: Uncertain significance. Last evaluated: 2024-11-21. Review status: criteria provided, single submitter. Criteria: GeneDx Variant Classification Process June 2021. Collection method: clinical testing. Allele origin: germline. Affected: yes.
Comment: Reported with additional variants (phase unknown) in a patient with ASND in published literature (PMID: 26818607); Not observed at significant frequency in large population cohorts (gnomAD); In silico analysis supports that this missense variant has a deleterious effect on protein structure/function; This variant is associated with the following publications: (PMID: 37473993, 28335750, 36672845, 37679651, 19461658, 36979683, 34652575, 38374194, 26818607)

Laboratory of Human Genetics, Institute of Biosciences - University of Sao Paulo
Classification: Pathogenic for Bilateral sensorineural hearing impairment. Review status: criteria provided, single submitter. Criteria: ClinGen HL ACMG Specifications v1. Collection method: research. Allele origin: germline. Affected: yes. Observed: 1 compound heterozygote.

Diagnosis and Treatment Center of Genetic Hearing Loss, Eye & ENT Hospital of Fudan University
Classification: Likely pathogenic for Autosomal recessive nonsyndromic hearing loss 9. Last evaluated: 2026-02-04. Review status: no assertion criteria provided. Collection method: clinical testing. Allele origin: germline. Inheritance: Autosomal recessive inheritance. Affected: yes. Clinical features observed: hearing loss. Not counted in ClinVar's aggregate classification.
Comment: The c.4981G>A missense variant in OTOF has a population frequency of 0.000008 (PM2_Supporting). It has been reported in at least three patients: two with a second pathogenic/likely pathogenic variant (c.[4981G>A];[5431A>T] in trans and c.4981G>A(;)4225A>T(;)3570+2T>C with uncertain phasing) and one in trans with a VUS (c.[4981G>A];[2093G>C]) (PM3_Strong). In one family, two affected siblings carried the variant (PP1). The phenotype is consistent (PP4). (PMID: 26818607, 34652575)

Literature cited by the submitters: PubMed 34652575 (cited by Laboratory of Human Genetics, Institute of Biosciences - University of Sao Paulo and Diagnosis and Treatment Center of Genetic Hearing Loss, Eye & ENT Hospital of Fudan University); PubMed 19461658 (cited by Laboratory of Human Genetics, Institute of Biosciences - University of Sao Paulo); PubMed 26818607 (cited by Diagnosis and Treatment Center of Genetic Hearing Loss, Eye & ENT Hospital of Fudan University).